The following is an entry in ClinVar:

NM_004366.6(CLCN2):c.1721+5G>A

Gene: CLCN2 (chloride voltage-gated channel 2; minus strand). Cytogenetic location: 3q27.1.
Variant type: single nucleotide variant.
Coding change: c.1721+5G>A on transcript NM_004366.6 (MANE Select); 5 bases into the intron after coding-DNA position 1721, G replaced by A.
Molecular consequence: intron variant.
Genome position (GRCh38, 1-based): chr3:184,354,096, C>T on the plus strand (G>A on the coding strand, the complement: CLCN2 is on the minus strand). VCF-style: chr3-184354096-C-T. GRCh37 (hg19) VCF-style: chr3-184071884-C-T.
Other names: c.1589+5G>A (NM_001171088.3); c.1670+5G>A (NM_001171087.3); c.1721+5G>A (NM_001171089.3).
Identifiers: ClinVar variation 1801192 (VCV001801192.5), dbSNP rs200332081, ClinGen allele CA2734014.

ClinVar aggregate classification (germline): Uncertain significance. Review status: criteria provided, multiple submitters, no conflicts (2 of 4 stars). 4 submissions from 4 submitters: Uncertain significance (4). Last evaluated 2025-05-15.

Conditions:
Epilepsy, idiopathic generalized, susceptibility to, 11 (EIG11). Identifiers: Orphanet 307, MedGen C2750893, MONDO:0011875, OMIM 607628.
Leukoencephalopathy with mild cerebellar ataxia and white matter edema (LKPAT). Also called: Leukoencephalopathy with white matter edema; Brain white matter edema; Leukoencephalopathy with ataxia; CLCN2-Related Leukoencephalopathy. Identifiers: Orphanet 363540, MedGen C4554120, MONDO:0014292, OMIM 615651. Disease mechanism: loss of function.
Familial hyperaldosteronism type II. Also called: FH II. Identifiers: Orphanet 404, MedGen C1854107, MONDO:0011576, OMIM 605635.

Allele frequency attached by ClinVar (database versions not stated): ExAC 0.00003; gnomAD 0.00003; 1000 Genomes Project 30x 0.00016; 1000 Genomes Project 0.00020.
gnomAD v4.1: 15 of 1,611,364 alleles (0.00093%); highest among the groups gnomAD compares: Admixed American, 0.0084%; no homozygotes.

Submissions (4):

Labcorp Genetics (formerly Invitae), Labcorp
Classification: Uncertain significance. Last evaluated: 2025-05-15. Review status: criteria provided, single submitter. Criteria: Invitae Variant Classification Sherloc (09022015). Collection method: clinical testing. Allele origin: germline.
Comment: This sequence change falls in intron 15 of the CLCN2 gene. It does not directly change the encoded amino acid sequence of the CLCN2 protein. It affects a nucleotide within the consensus splice site. This variant is present in population databases (rs200332081, gnomAD 0.009%). This variant has not been reported in the literature in individuals affected with CLCN2-related conditions. ClinVar contains an entry for this variant (Variation ID: 1801192). Variants that disrupt the consensus splice site are a relatively common cause of aberrant splicing (PMID: 17576681, 9536098). Algorithms developed to predict the effect of sequence changes on RNA splicing suggest that this variant may disrupt the consensus splice site. In summary, the available evidence is currently insufficient to determine the role of this variant in disease. Therefore, it has been classified as a Variant of Uncertain Significance.

Fulgent Genetics
Classification: Uncertain significance for Familial hyperaldosteronism type II; Epilepsy, idiopathic generalized, susceptibility to, 11; Leukoencephalopathy with mild cerebellar ataxia and white matter edema. Last evaluated: 2024-06-13. Review status: criteria provided, single submitter. Criteria: ACMG Guidelines, 2015. Collection method: clinical testing. Allele origin: germline.

Baylor Genetics
Classification: Uncertain significance for Epilepsy, idiopathic generalized, susceptibility to, 11. Last evaluated: 2022-10-31. Review status: criteria provided, single submitter. Criteria: ACMG Guidelines, 2015. Collection method: clinical testing. Allele origin: unknown.

GeneDx
Classification: Uncertain significance. Last evaluated: 2022-05-23. Review status: criteria provided, single submitter. Criteria: GeneDx Variant Classification Process June 2021. Collection method: clinical testing. Allele origin: germline. Affected: yes.
Comment: In-silico analysis is inconclusive as to whether the variant alters gene splicing. In the absence of RNA/functional studies, the actual effect of this sequence change is unknown.; Has not been previously published as pathogenic or benign to our knowledge

Literature cited by the submitters: PubMed 17576681 (cited by Labcorp Genetics (formerly Invitae), Labcorp); PubMed 9536098 (cited by Labcorp Genetics (formerly Invitae), Labcorp).